The following is an entry in ClinVar:

NM_001348716.2(KDM6B):c.789A>G (p.Pro263=)

Gene: KDM6B (lysine demethylase 6B; plus strand). Cytogenetic location: 17p13.1.
Variant type: single nucleotide variant.
Coding change: c.789A>G on transcript NM_001348716.2 (MANE Select); coding-DNA position 789, A replaced by G.
Protein change: p.Pro263=; no amino-acid change (proline 263 retained).
Molecular consequence: synonymous variant.
Genome position (GRCh38, 1-based): chr17:7,846,896, A>G. VCF-style: chr17-7846896-A-G. GRCh37 (hg19) VCF-style: chr17-7750214-A-G.
Other names: c.789A>G, p.Pro263= (NM_001080424.2).
Identifiers: ClinVar variation 1675658 (VCV001675658.33), dbSNP rs139139016, ClinGen allele CA8360378.

ClinVar aggregate classification (germline): Likely benign (1 of 4 stars; one submission).

Allele frequency attached by ClinVar (database versions not stated): gnomAD exomes 0.00003 and 0.00010; ExAC 0.00004; gnomAD 0.00005 and 0.00006; ESP Exome Variant Server 0.00046.
gnomAD v4.1: 41 of 1,365,168 alleles (0.003%); highest among the groups gnomAD compares: Admixed American, 0.006%; no homozygotes.

Submission:

CeGaT Center for Human Genetics Tuebingen
Classification: Likely benign. Last evaluated: 2026-01-01. Review status: criteria provided, single submitter. Criteria: CeGaT Center For Human Genetics Tuebingen Variant Classification Criteria Version 2. Collection method: clinical testing. Allele origin: germline. Affected: yes. Observed: 3 variant alleles.
Comment: KDM6B: BP4, BP7